The following is an entry in ClinVar:

NM_001142864.4(PIEZO1):c.7405GAG[1] (p.Glu2470del)

Gene: PIEZO1 (piezo type mechanosensitive ion channel component 1 (Er blood group); minus strand). Cytogenetic location: 16q24.3.
Variant type: Microsatellite.
Coding change: c.7405GAG[1] on transcript NM_001142864.4 (MANE Select); one copy of the 3-base unit GAG starting at c.7405; the reference has two copies in a row; one copy, 3 bases deleted.
Protein change: p.Glu2470del; deletes glutamic acid 2470.
Molecular consequence: inframe deletion.
Genome position (GRCh38, 1-based): chr16:88,715,761-88,715,763, CTC deleted on the plus strand (GAG on the coding strand, the reverse complement: PIEZO1 is on the minus strand); deleting any 3 consecutive bases within chr16:88,715,761-88,715,766 gives the same sequence; the position shown is the placement nearest the transcript's 3' end. VCF-style (leftmost placement, unchanged base first): chr16-88715760-GCTC-G. GRCh37 (hg19) VCF-style: chr16-88782168-GCTC-G.
Other names: short protein forms E2470del.
Identifiers: ClinVar variation 4993287 (VCV004993287.1).

ClinVar aggregate classification (germline): Uncertain significance (1 of 4 stars; one submission).

Conditions:
PIEZO1-related disorder. Also called: PIEZO1-related condition; PIEZO1-Related Disorders.

Submission:

PreventionGenetics, part of Exact Sciences
Classification: Uncertain significance for PIEZO1-related condition. Last evaluated: 2025-09-16. Review status: criteria provided, single submitter. Criteria: ACMG Guidelines, 2015. Collection method: clinical testing. Allele origin: germline.
Comment: The PIEZO1 c.7408_7410delGAG variant is predicted to result in an in-frame deletion (p.Glu2470del). To our knowledge, this variant has not been reported in the literature or in a large population database (gnomAD), indicating this variant is rare. At this time, the clinical significance of this variant is uncertain due to the absence of conclusive functional and genetic evidence.